The following is an entry in ClinVar:

ClinVar aggregate classification (germline): Benign. Review status: criteria provided, multiple submitters, no conflicts (2 of 4 stars). 3 submissions from 3 submitters: Benign (2). 1 of the submissions does not count toward it. Last evaluated 2025-08-01.

Conditions:
IDH1-related disorder. Also called: IDH1-related condition.

Allele frequency attached by ClinVar (database versions not stated): gnomAD exomes 0.00080 and 0.00225; ExAC 0.00275; 1000 Genomes Project 30x 0.00843; gnomAD 0.00917 and 0.00984; 1000 Genomes Project 0.00919; ESP Exome Variant Server 0.00946; TOPMed 0.01040.
gnomAD v4.1: 2,570 of 1,544,246 alleles (0.17%); highest among the groups gnomAD compares: African/African-American, 3.1%; 42 homozygotes.

Submissions (3):

CeGaT Center for Human Genetics Tuebingen
Classification: Benign. Last evaluated: 2025-08-01. Review status: criteria provided, single submitter. Criteria: CeGaT Center For Human Genetics Tuebingen Variant Classification Criteria Version 2. Collection method: clinical testing. Allele origin: germline. Affected: yes. Observed: 1 variant allele.
Comment: IDH1: BP4, BS1, BS2

Labcorp Genetics (formerly Invitae), Labcorp
Classification: Benign. Last evaluated: 2019-12-31. Review status: criteria provided, single submitter. Criteria: Invitae Variant Classification Sherloc (09022015). Collection method: clinical testing. Allele origin: germline.

PreventionGenetics, part of Exact Sciences
Classification: Benign for IDH1-related condition. Last evaluated: 2019-11-26. Review status: no assertion criteria provided. Collection method: clinical testing. Allele origin: germline. Not counted in ClinVar's aggregate classification.
Comment: This variant is classified as benign based on ACMG/AMP sequence variant interpretation guidelines (Richards et al. 2015 PMID: 25741868, with internal and published modifications).

NM_005896.4(IDH1):c.415-4A>G

Gene: IDH1 (isocitrate dehydrogenase (NADP(+)) 1; minus strand). Cytogenetic location: 2q34.
Variant type: single nucleotide variant.
Coding change: c.415-4A>G on transcript NM_005896.4 (MANE Select); 4 bases into the intron before coding-DNA position 415, A replaced by G.
Molecular consequence: intron variant.
Genome position (GRCh38, 1-based): chr2:208,245,428, T>C on the plus strand (A>G on the coding strand, the complement: IDH1 is on the minus strand). VCF-style: chr2-208245428-T-C. GRCh37 (hg19) VCF-style: chr2-209110152-T-C.
Other names: c.415-4A>G (NM_001282386.1, NM_001282387.1).
Identifiers: ClinVar variation 785024 (VCV000785024.14), dbSNP rs112028914, ClinGen allele CA2079008.
Genomic context (GRCh38, chr2:208,245,428, plus strand): 5'-TGTGTAGGTTATCTCTACTTTTCCAGGCCCAGGAACAACAAAATCAGTTGCTCTGTACTG[T>C]GTAGAGGGGAAAAAGGTATAAAGAAAAAAAAAATACCCTAGCAGGAATTGTAAGGAGAAT-3'